The following is an entry in ClinVar:

ClinVar aggregate classification (germline): Uncertain significance (1 of 4 stars; one submission).

Allele frequency attached by ClinVar (database versions not stated): gnomAD exomes below 0.00001; TOPMed below 0.00001; gnomAD 0.00001.
gnomAD v4.1: 2 of 1,606,792 alleles (0.00012%); highest among the groups gnomAD compares: Non-Finnish European, 0.00017%; no homozygotes.

Submission:

Labcorp Genetics (formerly Invitae), Labcorp
Classification: Uncertain significance. Last evaluated: 2021-04-10. Review status: criteria provided, single submitter. Criteria: Invitae Variant Classification Sherloc (09022015). Collection method: clinical testing. Allele origin: germline.
Comment: In summary, the available evidence is currently insufficient to determine the role of this variant in disease. Therefore, it has been classified as a Variant of Uncertain Significance. Nucleotide substitutions within the consensus splice site are a relatively common cause of aberrant splicing (PMID: 17576681, 9536098). Algorithms developed to predict the effect of sequence changes on RNA splicing suggest that this variant is not likely to affect RNA splicing, but this prediction has not been confirmed by published transcriptional studies. This sequence change falls in intron 12 of the TAOK2 gene. It does not directly change the encoded amino acid sequence of the TAOK2 protein. It affects a nucleotide within the consensus splice site of the intron. This variant is not present in population databases (ExAC no frequency). This variant has not been reported in the literature in individuals with TAOK2-related conditions.

Literature cited by the submitters: PubMed 17576681; PubMed 9536098.

NM_016151.4(TAOK2):c.1261-3T>C

Gene: TAOK2 (TAO kinase 2; plus strand). Cytogenetic location: 16p11.2.
Variant type: single nucleotide variant.
Coding change: c.1261-3T>C on transcript NM_016151.4 (MANE Select); 3 bases into the intron before coding-DNA position 1261, T replaced by C.
Molecular consequence: intron variant.
Genome position (GRCh38, 1-based): chr16:29,983,500, T>C. VCF-style: chr16-29983500-T-C. GRCh37 (hg19) VCF-style: chr16-29994821-T-C.
Other names: c.1261-3T>C (NM_004783.4, NM_001252043.2).
Identifiers: ClinVar variation 1386376 (VCV001386376.6), dbSNP rs2069685195, ClinGen allele CA976249840.
Genomic context (GRCh38, chr16:29,983,500, plus strand): 5'-CAGGTAGCTCTCTTTGGACCCAGTGGCCTCTGAGCCTTGGGTGTTCCTTCTATCTCCCTC[T>C]AGGGCTCTGACAACCTATATGATGACCCCTACCAGCCAGAGATAACCCCCAGCCCTCTCC-3'